The following is an entry in ClinVar:

NM_017739.4(POMGNT1):c.1413+1G>C

Genes: TSPAN1 (tetraspanin 1; plus strand), POMGNT1 (protein O-linked mannose N-acetylglucosaminyltransferase 1 (beta 1,2-); minus strand). Cytogenetic location: 1p34.1.
Variant type: single nucleotide variant.
Coding change: c.1413+1G>C on transcript NM_017739.4 (MANE Select); the canonical splice donor site of the intron after coding-DNA position 1413, G replaced by C.
Molecular consequence: splice donor variant.
Genome position (GRCh38, 1-based): chr1:46,192,307, C>G on the plus strand (G>C on the coding strand, the complement: POMGNT1 is on the minus strand). VCF-style: chr1-46192307-C-G. GRCh37 (hg19) VCF-style: chr1-46657979-C-G.
Other names: c.1413+1G>C (NM_001243766.2, NM_001438686.1, NM_001438688.1 and 3 more transcripts); c.1347+1G>C (NM_001290129.3, NM_001438691.1, NM_001438692.1); c.984+1G>C (NM_001290130.2).
Identifiers: ClinVar variation 211939 (VCV000211939.7), dbSNP rs587777821, ClinGen allele CA205174.

ClinVar aggregate classification (germline): Conflicting classifications of pathogenicity. Review status: criteria provided, conflicting classifications (1 of 4 stars). 2 submissions from 2 submitters: Pathogenic (1); Uncertain significance (1). Last evaluated 2023-01-24.

Conditions:
Muscular dystrophy-dystroglycanopathy (congenital with brain and eye anomalies), type A3. Also called: Congenital muscular dystrophy-dystroglycanopathy with brain and eye anomalies, type A3; WALKER-WARBURG SYNDROME OR MUSCLE-EYE-BRAIN DISEASE, POMGNT1-RELATED; Muscular dystrophy-dystroglycanopathy (congenital with brain and eye anomalies), type A, 3. Identifiers: MedGen C3151519, MONDO:0009667, OMIM 253280.
Muscular dystrophy-dystroglycanopathy. Also called: Congenital muscular dystrophy due to dystroglycanopathy. Identifiers: Orphanet 370953, MedGen C5679911, MONDO:0018276.

Allele frequency attached by ClinVar (database versions not stated): ExAC 0.00002.
gnomAD v4.1: 5 of 1,614,154 alleles (0.00031%); highest among the groups gnomAD compares: South Asian, 0.0055%; no homozygotes.

Submissions (2):

Broad Center for Mendelian Genomics, Broad Institute of MIT and Harvard
Classification: Uncertain significance for Muscular dystrophy-dystroglycanopathy. Last evaluated: 2023-01-24. Review status: criteria provided, single submitter. Criteria: ACMG Guidelines, 2015. Collection method: curation. Allele origin: germline. Inheritance: Autosomal recessive inheritance.
Comment: The c.1413+1G>C variant in POMGNT1 has not been previously reported in the literature in individuals with POMGNT1-associated muscular dystrophy-dystroglycanopathy but has been identified in 0.01% (3/30616) of South Asian chromosomes by the Genome Aggregation Database (gnomAD; dbSNP ID: rs587777821). Although this variant has been seen in the general population in a heterozygous state, its frequency is low enough to be consistent with a recessive carrier frequency. This variant has also been reported in ClinVar (Variation ID#:211939) and has been interpreted as pathogenic by the University of Chicago Genetic Services Library. This variant is located in the 5' splice region. Computational tools predict a splicing impact, though this information is not predictive enough to determine pathogenicity. This variant is adjacent to an in-frame exon and is more likely to escape nonsense mediated decay (NMD) and result in a truncated protein. Loss of function of the POMGNT1 gene is an established disease mechanism in autosomal recessive POMGNT1-associated muscular dystrophy-dystroglycanopathy. In summary, the clinical significance of the c.1413+1G>C variant is uncertain. ACMG/AMP Criteria applied: PVS1_Moderate, PM2_Supporting (Richards 2015).

Genetic Services Laboratory, University of Chicago
Classification: Pathogenic for Muscular dystrophy-dystroglycanopathy (congenital with brain and eye anomalies), type A, 3. Last evaluated: 2015-06-08. Review status: criteria provided, single submitter. Criteria: ACMG Guidelines, 2015. Collection method: clinical testing. Allele origin: germline. Affected: yes.